The following is an entry in ClinVar:

NM_001243156.2(TAF1C):c.514C>T (p.Arg172Cys)

Gene: TAF1C (TATA-box binding protein associated factor, RNA polymerase I subunit C; minus strand). Cytogenetic location: 16q24.1.
Variant type: single nucleotide variant.
Coding change: c.514C>T on transcript NM_001243156.2 (MANE Select); coding-DNA position 514, C replaced by T.
Protein change: p.Arg172Cys; replaces arginine 172 with cysteine.
Molecular consequence: missense variant. On other transcripts: 5 prime UTR variant (4).
Genome position (GRCh38, 1-based): chr16:84,182,409, G>A on the plus strand (C>T on the coding strand, the complement: TAF1C is on the minus strand). VCF-style: chr16-84182409-G-A. GRCh37 (hg19) VCF-style: chr16-84216015-G-A.
Other names: c.-405C>T (NM_001243157.2, NM_001243158.2); c.-764C>T (NM_001243159.2); c.-949C>T (NM_001243160.2); c.514C>T, p.Arg172Cys (NM_005679.4); c.313C>T, p.Arg105Cys (NM_139353.3); short protein forms R105C, R172C.
Identifiers: ClinVar variation 2570951 (VCV002570951.27), dbSNP rs376461189, ClinGen allele CA8204113.

ClinVar aggregate classification (germline): Uncertain significance (1 of 4 stars; one submission).

Allele frequency attached by ClinVar (database versions not stated): ESP Exome Variant Server 0.00015; TOPMed 0.00019; gnomAD 0.00021; ExAC 0.00025; gnomAD exomes 0.00031.
gnomAD v4.1: 476 of 1,603,298 alleles (0.03%); highest among the groups gnomAD compares: Non-Finnish European, 0.037%; no homozygotes.

Submission:

CeGaT Center for Human Genetics Tuebingen
Classification: Uncertain significance. Last evaluated: 2023-04-01. Review status: criteria provided, single submitter. Criteria: CeGaT Center For Human Genetics Tuebingen Variant Classification Criteria Version 2. Collection method: clinical testing. Allele origin: germline. Affected: yes. Observed: 1 variant allele.
Comment: TAF1C: PM2